The following is an entry in ClinVar:

NM_000540.3(RYR1):c.9921C>T (p.Val3307=)

Gene: RYR1 (ryanodine receptor 1; plus strand). Cytogenetic location: 19q13.2.
Variant type: single nucleotide variant.
Coding change: c.9921C>T on transcript NM_000540.3 (MANE Select); coding-DNA position 9921, C replaced by T.
Protein change: p.Val3307=; no amino-acid change (valine 3307 retained).
Molecular consequence: synonymous variant.
Genome position (GRCh38, 1-based): chr19:38,517,594, C>T. VCF-style: chr19-38517594-C-T. GRCh37 (hg19) VCF-style: chr19-39008234-C-T.
Other names: c.9921C>T, p.Val3307= (NM_001042723.2).
Identifiers: ClinVar variation 515048 (VCV000515048.9), dbSNP rs1399221695, ClinGen allele CA507247348.

ClinVar aggregate classification (germline): Likely benign. Review status: criteria provided, multiple submitters, no conflicts (2 of 4 stars). 3 submissions from 3 submitters: Likely benign (3). Last evaluated 2025-08-18.

Conditions:
RYR1-related disorder. Also called: RYR1-related disorders; RYR1-related condition. Identifiers: MedGen CN239331.
Malignant hyperthermia, susceptibility to, 1 (MHS1). Also called: Anesthesia related hyperthermia; Malignant hyperpyrexia; Fulminating hyperpyrexia; Pharmacogenic myopathy; RYR1-Related Malignant Hyperthermia Susceptibility; Malignant hyperthermia suceptibility 1. Identifiers: Orphanet 423, MedGen C2930980, MONDO:0007783, OMIM 145600.

Allele frequency attached by ClinVar (database versions not stated): gnomAD 0.00001; TOPMed 0.00001.
gnomAD v4.1: 28 of 1,614,062 alleles (0.0017%); highest among the groups gnomAD compares: Non-Finnish European, 0.0023%; no homozygotes.

Submissions (3):

Labcorp Genetics (formerly Invitae), Labcorp
Classification: Likely benign for RYR1-related disorder. Last evaluated: 2025-08-18. Review status: criteria provided, single submitter. Criteria: Invitae Variant Classification Sherloc (09022015). Collection method: clinical testing. Allele origin: germline.

Color Diagnostics, LLC DBA Color Health
Classification: Likely benign for Malignant hyperthermia, susceptibility to, 1. Last evaluated: 2022-11-06. Review status: criteria provided, single submitter. Criteria: ACMG Guidelines, 2015. Collection method: clinical testing. Allele origin: germline.

GeneDx
Classification: Likely benign. Last evaluated: 2018-02-01. Review status: criteria provided, single submitter. Criteria: GeneDx Variant Classification (06012015). Collection method: clinical testing. Allele origin: germline. Affected: yes.
Comment: This variant is considered likely benign or benign based on one or more of the following criteria: it is a conservative change, it occurs at a poorly conserved position in the protein, it is predicted to be benign by multiple in silico algorithms, and/or has population frequency not consistent with disease.